The following is an entry in ClinVar:

NM_014855.3(AP5Z1):c.1026C>T (p.Phe342=)

Gene: AP5Z1 (adaptor related protein complex 5 subunit zeta 1; plus strand). Cytogenetic location: 7p22.1.
Variant type: single nucleotide variant.
Coding change: c.1026C>T on transcript NM_014855.3 (MANE Select); coding-DNA position 1026, C replaced by T.
Protein change: p.Phe342=; no amino-acid change (phenylalanine 342 retained).
Molecular consequence: synonymous variant. On other transcripts: non-coding transcript variant (1).
Genome position (GRCh38, 1-based): chr7:4,785,578, C>T. VCF-style: chr7-4785578-C-T. GRCh37 (hg19) VCF-style: chr7-4825209-C-T.
Other names: p.Phe342=; c.558C>T, p.Phe186= (NM_001364858.1); c.1026C>T (NM_014855.2).
Identifiers: ClinVar variation 1571737 (VCV001571737.10), dbSNP rs759537675, ClinGen allele CA4137570.

ClinVar aggregate classification (germline): Likely benign. Review status: criteria provided, multiple submitters, no conflicts (2 of 4 stars). 3 submissions from 3 submitters: Likely benign (3). Last evaluated 2026-01-07.

Conditions:
AP5Z1-related disorder. Also called: AP5Z1-related condition.
Hereditary spastic paraplegia 48. Also called: Spastic paraplegia 48; SPASTIC PARAPLEGIA 48, AUTOSOMAL RECESSIVE. Identifiers: Orphanet 306511, MedGen C3150901, MONDO:0013342, OMIM 613647.

Allele frequency attached by ClinVar (database versions not stated): gnomAD exomes 0.00004; gnomAD 0.00007 and 0.00008; TOPMed 0.00007; ExAC 0.00008.

Submissions (3):

PreventionGenetics, part of Exact Sciences
Classification: Likely benign for AP5Z1-related condition. Last evaluated: 2026-01-07. Review status: criteria provided, single submitter. Criteria: ACMG Guidelines, 2015. Collection method: clinical testing. Allele origin: germline.
Comment: This variant is classified as likely benign based on ACMG/AMP sequence variant interpretation guidelines (Richards et al. 2015 PMID: 25741868, with internal and published modifications).

Mayo Clinic Laboratories, Mayo Clinic
Classification: Likely benign. Last evaluated: 2025-06-05. Review status: criteria provided, single submitter. Criteria: ACMG Guidelines, 2015. Collection method: clinical testing. Allele origin: germline. Observed: 1 variant allele.
Comment: BP4, BP7

Labcorp Genetics (formerly Invitae), Labcorp
Classification: Likely benign for Hereditary spastic paraplegia 48. Last evaluated: 2024-05-09. Review status: criteria provided, single submitter. Criteria: Invitae Variant Classification Sherloc (09022015). Collection method: clinical testing. Allele origin: germline.